The following is an entry in ClinVar:

NM_001034853.2(RPGR):c.2101G>T (p.Glu701Ter)

Gene: RPGR (retinitis pigmentosa GTPase regulator; minus strand). Cytogenetic location: Xp11.4.
Variant type: single nucleotide variant.
Coding change: c.2101G>T on transcript NM_001034853.2 (MANE Select); coding-DNA position 2101, G replaced by T.
Protein change: p.Glu701Ter; replaces glutamic acid 701 with a stop codon.
Molecular consequence: nonsense. On other transcripts: intron variant (8).
Genome position (GRCh38, 1-based): chrX:38,286,898, C>A on the plus strand (G>T on the coding strand, the complement: RPGR is on the minus strand). VCF-style: chrX-38286898-C-A. GRCh37 (hg19) VCF-style: chrX-38146151-C-A.
Other names: NM_001034853.2:c.2101G>T; c.1569+4061G>T (NM_001367249.1, NM_001367250.1); c.1902+196G>T (NM_001367245.1); c.1386+4061G>T (NM_001367251.1); c.1719+196G>T (NM_001367246.1); c.1572+4061G>T (NM_001367247.1); c.1905+196G>T (NM_000328.3); c.1602+4061G>T (NM_001367248.1); short protein forms E701*.
Identifiers: ClinVar variation 4082162 (VCV004082162.1).
Genomic context (GRCh38, chrX:38,286,898, plus strand): 5'-TCTGATGGCCCTGCTCCCTCTCCTTTTGCTCCTGCTCTTCCCCATCCCTCTTCTTCCATT[C>A]TTCCTTCTCTGCTAGTTCCTTCTCTCCCTCTCCTGGCCTCTCCATTTCTCCTCTACCCTT-3'

ClinVar aggregate classification (germline): Likely pathogenic (3 of 4 stars; one submission).

Conditions:
RPGR-related retinopathy. Also called: RPGR retinopathy. Identifiers: MedGen CN305589, MONDO:0100437.

Submission:

ClinGen X-linked Inherited Retinal Disease Variant Curation Expert Panel, ClinGen
Classification: Likely pathogenic for RPGR-related retinopathy. Last evaluated: 2025-09-07. Review status: reviewed by expert panel. Criteria: ClinGen X LinkedIRD ACMG Specifications RPGR V1.0.0. Collection method: curation. Allele origin: germline. Inheritance: X-linked inheritance.
Comment: NM_001034853.2(RPGR):c.2101G>T (p.Glu701Ter) is a nonsense variant introducing a premature stop in codon 701 within exon 15 of 15 that is predicted to disrupt a critical C-terminal region required for proper glutamylation of RPGR (PVS1, PMID: 36445968). This variant is absent from gnomAD v4.1.0 (PM2_Supporting). This variant has been reported in a submission to the Leiden Open Variation Database (LOVD 3.0) as a disease-causing variant (DB-ID RPGR_000065), however, no affected individual was described meeting one of the PS4 requirements of some functional vision impairment in an affected male by age 30 years, or decreased or absent electroretinogram responses, so PS4_Supporting was not met. In summary, this variant is classified as likely pathogenic for RPGR-related retinopathy based on the ClinGen X-linked Inherited Retinal Disease Expert Panel Specifications to the ACMG/AMP Variant Interpretation Guidelines for RPGR Version 1.0.0; PVS1 and PM2_Supporting.